The following is an entry in ClinVar:

ClinVar aggregate classification (germline): Uncertain significance (1 of 4 stars; one submission).

Conditions:
Epileptic encephalopathy. Identifiers: MedGen C0543888, HP:0200134.

gnomAD v4.1: 2 of 1,567,054 alleles (0.00013%); highest among the groups gnomAD compares: South Asian, 0.0023%; no homozygotes.

Submission:

Labcorp Genetics (formerly Invitae), Labcorp
Classification: Uncertain significance for Epileptic encephalopathy. Last evaluated: 2023-10-10. Review status: criteria provided, single submitter. Criteria: Invitae Variant Classification Sherloc (09022015). Collection method: clinical testing. Allele origin: germline.
Comment: This sequence change replaces glycine, which is neutral and non-polar, with serine, which is neutral and polar, at codon 1295 of the FASN protein (p.Gly1295Ser). This variant is not present in population databases (gnomAD no frequency). This variant has not been reported in the literature in individuals affected with FASN-related conditions. An algorithm developed to predict the effect of missense changes on protein structure and function (PolyPhen-2) suggests that this variant is likely to be tolerated. In summary, the available evidence is currently insufficient to determine the role of this variant in disease. Therefore, it has been classified as a Variant of Uncertain Significance.

NM_004104.5(FASN):c.3883G>A (p.Gly1295Ser)

Gene: FASN (fatty acid synthase; minus strand). Cytogenetic location: 17q25.3.
Variant type: single nucleotide variant.
Coding change: c.3883G>A on transcript NM_004104.5 (MANE Select); coding-DNA position 3883, G replaced by A.
Protein change: p.Gly1295Ser; replaces glycine 1295 with serine.
Molecular consequence: missense variant.
Genome position (GRCh38, 1-based): chr17:82,085,721, C>T on the plus strand (G>A on the coding strand, the complement: FASN is on the minus strand). VCF-style: chr17-82085721-C-T. GRCh37 (hg19) VCF-style: chr17-80043597-C-T.
Other names: short protein forms G1295S.
Identifiers: ClinVar variation 2745082 (VCV002745082.3), dbSNP rs747858547, ClinGen allele CA401549851.